The following is an entry in ClinVar:

NM_147127.5(EVC2):c.1711-1G>A

Gene: EVC2 (EvC ciliary complex subunit 2; minus strand). Cytogenetic location: 4p16.2.
Variant type: single nucleotide variant.
Coding change: c.1711-1G>A on transcript NM_147127.5 (MANE Select); the canonical splice acceptor site of the intron before coding-DNA position 1711, G replaced by A.
Molecular consequence: splice acceptor variant.
Genome position (GRCh38, 1-based): chr4:5,628,735, C>T on the plus strand (G>A on the coding strand, the complement: EVC2 is on the minus strand). VCF-style: chr4-5628735-C-T. GRCh37 (hg19) VCF-style: chr4-5630462-C-T.
Other names: c.1471-1G>A (NM_001166136.2).
Identifiers: ClinVar variation 555162 (VCV000555162.9), dbSNP rs1553836169, ClinGen allele CA356147958.

ClinVar aggregate classification (germline): Likely pathogenic. Review status: criteria provided, single submitter (1 of 4 stars). 2 submissions from 2 submitters: Likely pathogenic (1). 1 of the submissions does not count toward it. Last evaluated 2023-07-19.

Conditions:
Ellis-van Creveld syndrome (EVC). Also called: EVC2-Related Ellis-van Creveld Syndrome; EVC-Related Ellis-van Creveld Syndrome; MESOECTODERMAL DYSPLASIA; Chondroectodermal dysplasia. Identifiers: Orphanet 289, MedGen C0013903, MONDO:0009162, OMIM 225500.
Curry-Hall syndrome (WAD). Also called: WEYERS ACRODENTAL DYSOSTOSIS. Identifiers: Orphanet 952, MedGen C0457013, MONDO:0008673, OMIM 193530.

Allele frequency attached by ClinVar (database versions not stated): gnomAD exomes 0.00001.
gnomAD v4.1: 15 of 1,586,298 alleles (0.00095%); highest among the groups gnomAD compares: Non-Finnish European, 0.0013%; no homozygotes.

Submissions (2):

Labcorp Genetics (formerly Invitae), Labcorp
Classification: Likely pathogenic for Curry-Hall syndrome; Ellis-van Creveld syndrome. Last evaluated: 2023-07-19. Review status: criteria provided, single submitter. Criteria: Invitae Variant Classification Sherloc (09022015). Collection method: clinical testing. Allele origin: germline.
Comment: In summary, the currently available evidence indicates that the variant is pathogenic, but additional data are needed to prove that conclusively. Therefore, this variant has been classified as Likely Pathogenic. Algorithms developed to predict the effect of sequence changes on RNA splicing suggest that this variant may disrupt the consensus splice site. ClinVar contains an entry for this variant (Variation ID: 555162). This variant has not been reported in the literature in individuals affected with EVC2-related conditions. This variant is not present in population databases (gnomAD no frequency). This sequence change affects an acceptor splice site in intron 11 of the EVC2 gene. It is expected to disrupt RNA splicing. Variants that disrupt the donor or acceptor splice site typically lead to a loss of protein function (PMID: 16199547), and loss-of-function variants in EVC2 are known to be pathogenic (PMID: 17024374, 19810119, 19876929).

Counsyl
Classification: Likely pathogenic for Ellis-van Creveld syndrome. Last evaluated: 2017-11-21. Review status: no assertion criteria provided. Collection method: clinical testing. Allele origin: unknown. Not counted in ClinVar's aggregate classification.

Literature cited by the submitters: PubMed 16199547 (cited by Labcorp Genetics (formerly Invitae), Labcorp); PubMed 17024374 (cited by Labcorp Genetics (formerly Invitae), Labcorp); PubMed 19810119 (cited by Labcorp Genetics (formerly Invitae), Labcorp); PubMed 19876929 (cited by Labcorp Genetics (formerly Invitae), Labcorp).